The following is an entry in ClinVar:

ClinVar aggregate classification (germline): Likely benign (1 of 4 stars; one submission).

Conditions:
Cone-rod dystrophy 12 (CORD12). Identifiers: Orphanet 1872, MedGen C2675210, MONDO:0012983, OMIM 612657.

Allele frequency attached by ClinVar (database versions not stated): gnomAD exomes below 0.00001.
gnomAD v4.1: 1 of 1,611,306 alleles (0.000062%); highest among the groups gnomAD compares: Non-Finnish European, 0.000085%; no homozygotes.

Submission:

Centre for Mendelian Genomics, University Medical Centre Ljubljana
Classification: Likely benign for Cone-rod dystrophy 12. Last evaluated: 2019-02-25. Review status: criteria provided, single submitter. Criteria: ACMG Guidelines, 2015. Collection method: clinical testing. Allele origin: unknown. Affected: yes.
Comment: This variant was classified as: Likely benign. The following ACMG criteria were applied in classifying this variant: PM2,BP1,BP4.

NM_006017.3(PROM1):c.11T>C (p.Val4Ala)

Gene: PROM1 (prominin 1; minus strand). Cytogenetic location: 4p15.32.
Variant type: single nucleotide variant.
Coding change: c.11T>C on transcript NM_006017.3 (MANE Select); coding-DNA position 11, T replaced by C.
Protein change: p.Val4Ala; replaces valine 4 with alanine.
Molecular consequence: missense variant.
Genome position (GRCh38, 1-based): chr4:16,075,896, A>G on the plus strand (T>C on the coding strand, the complement: PROM1 is on the minus strand). VCF-style: chr4-16075896-A-G. GRCh37 (hg19) VCF-style: chr4-16077519-A-G.
Other names: c.11T>C, p.Val4Ala (NM_001145847.2, NM_001145848.2, NM_001145849.2 and 6 more transcripts); short protein forms V4A.
Identifiers: ClinVar variation 931502 (VCV000931502.3), dbSNP rs1743863519, ClinGen allele CA356438394.